The following is an entry in ClinVar:

NM_014989.7(RIMS1):c.2153A>G (p.Lys718Arg)

Gene: RIMS1 (regulating synaptic membrane exocytosis 1; plus strand). Cytogenetic location: 6q13.
Variant type: single nucleotide variant.
Coding change: c.2153A>G on transcript NM_014989.7 (MANE Select); coding-DNA position 2153, A replaced by G.
Protein change: p.Lys718Arg; replaces lysine 718 with arginine.
Molecular consequence: missense variant.
Genome position (GRCh38, 1-based): chr6:72,248,039, A>G. VCF-style: chr6-72248039-A-G. GRCh37 (hg19) VCF-style: chr6-72957742-A-G.
Other names: c.2153A>G (NM_014989.4); c.575A>G, p.Lys192Arg (NM_001168407.2, NM_001168408.2, NM_001350414.2 and 37 more transcripts); c.332A>G, p.Lys111Arg (NM_001168409.2, NM_001350461.2, NM_001350463.2 and 6 more transcripts); c.530A>G, p.Lys177Arg (NM_001168410.2, NM_001350470.2, NM_001350472.2 and 2 more transcripts); c.506A>G, p.Lys169Arg (NM_001350421.2, NM_001350424.2, NM_001350428.2 and 6 more transcripts); short protein forms K111R, K718R, K169R, K177R, K192R.
Identifiers: ClinVar variation 2887068 (VCV002887068.5), dbSNP rs1382465392, ClinGen allele CA364678095.

ClinVar aggregate classification (germline): Uncertain significance. Review status: criteria provided, multiple submitters, no conflicts (2 of 4 stars). 3 submissions from 3 submitters: Uncertain significance (3). Last evaluated 2025-09-01.

Allele frequency attached by ClinVar (database versions not stated): gnomAD exomes 0.00002; TOPMed 0.00002; gnomAD 0.00003.
gnomAD v4.1: 35 of 1,612,826 alleles (0.0022%); highest among the groups gnomAD compares: Non-Finnish European, 0.003%; no homozygotes.

Submissions (3):

Ambry Genetics
Classification: Uncertain significance. Last evaluated: 2025-09-01. Review status: criteria provided, single submitter. Criteria: Ambry Variant Classification Scheme 2023. Collection method: clinical testing. Allele origin: germline.

Labcorp Genetics (formerly Invitae), Labcorp
Classification: Uncertain significance. Last evaluated: 2023-10-22. Review status: criteria provided, single submitter. Criteria: Invitae Variant Classification Sherloc (09022015). Collection method: clinical testing. Allele origin: germline.
Comment: This sequence change replaces lysine, which is basic and polar, with arginine, which is basic and polar, at codon 718 of the RIMS1 protein (p.Lys718Arg). This variant is present in population databases (no rsID available, gnomAD 0.0009%). This variant has not been reported in the literature in individuals affected with RIMS1-related conditions. An algorithm developed to predict the effect of missense changes on protein structure and function (PolyPhen-2) suggests that this variant is likely to be tolerated. In summary, the available evidence is currently insufficient to determine the role of this variant in disease. Therefore, it has been classified as a Variant of Uncertain Significance.

Blueprint Genetics
Classification: Uncertain significance. Last evaluated: 2021-05-28. Review status: criteria provided, single submitter. Criteria: ACMG Guidelines, 2015. Collection method: clinical testing. Allele origin: germline.